The following is an entry in ClinVar:

ClinVar aggregate classification (germline): Uncertain significance. Review status: criteria provided, multiple submitters, no conflicts (2 of 4 stars). 2 submissions from 2 submitters: Uncertain significance (2). Last evaluated 2025-10-28.

Conditions:
Inborn genetic diseases. Identifiers: MedGen C0950123, MeSH D030342.

Allele frequency attached by ClinVar (database versions not stated): TOPMed 0.00003; ExAC 0.00008; gnomAD 0.00005; gnomAD exomes 0.00006.
gnomAD v4.1: 101 of 1,599,312 alleles (0.0063%); highest among the groups gnomAD compares: Middle Eastern, 0.033%; no homozygotes.

Submissions (2):

Ambry Genetics
Classification: Uncertain significance for Inborn genetic diseases. Last evaluated: 2025-10-28. Review status: criteria provided, single submitter. Criteria: Ambry Variant Classification Scheme 2023. Collection method: clinical testing. Allele origin: germline.

Mayo Clinic Laboratories, Mayo Clinic
Classification: Uncertain significance. Last evaluated: 2025-06-24. Review status: criteria provided, single submitter. Criteria: ACMG Guidelines, 2015. Collection method: clinical testing. Allele origin: germline. Observed: 2 variant alleles.
Comment: BP4_moderate

NM_001163809.2(WDR81):c.5344G>A (p.Gly1782Ser)

Gene: WDR81 (WD repeat domain 81; plus strand). Cytogenetic location: 17p13.3.
Variant type: single nucleotide variant.
Coding change: c.5344G>A on transcript NM_001163809.2 (MANE Select); coding-DNA position 5344, G replaced by A.
Protein change: p.Gly1782Ser; replaces glycine 1782 with serine.
Molecular consequence: missense variant.
Genome position (GRCh38, 1-based): chr17:1,736,057, G>A. VCF-style: chr17-1736057-G-A. GRCh37 (hg19) VCF-style: chr17-1639351-G-A.
Other names: p.Gly1782Ser; c.1735G>A, p.Gly579Ser (NM_001163673.2); c.1663G>A, p.Gly555Ser (NM_001163811.2); c.2191G>A, p.Gly731Ser (NM_152348.4); short protein forms G731S, G579S, G1782S, G555S.
Identifiers: ClinVar variation 2209301 (VCV002209301.3), dbSNP rs759169049, ClinGen allele CA8273852.
Genomic context (GRCh38, chr17:1,736,057, plus strand): 5'-ATGGGAAGGTGGTGCCTCAGCTCAGCCGCCCTCTCCCTGCAGCACGAGTTCCGACTGGGC[G>A]GTGGGCTGAACCCTGGGCTTGTCCGTGCCCTGGCCATCAGCCCCAGTGGCCGTAGTGTCG-3'
Protein context (NP_001157281.1, residues 1772-1792): PGLQHEFRLG[Gly1782Ser]GLNPGLVRAL